The following is an entry in ClinVar:

ClinVar aggregate classification (germline): Likely pathogenic (1 of 4 stars; one submission).

Submission:

GeneDx
Classification: Likely pathogenic. Last evaluated: 2018-08-23. Review status: criteria provided, single submitter. Criteria: GeneDx Variant Classification (06012015). Collection method: clinical testing. Allele origin: germline. Affected: yes.
Comment: The c.2210_2213delAAGA variant in the POMT1 gene has been reported previously in the homozygous state in an individual with congenital muscular dystrophy with intellectual disability (Sframeli et al., 2017). This variant causes a frameshift starting with codon Lysine 737, changes this amino acid to a Threonine residue, and creates a premature Stop codon at position 6 of the new reading frame, denoted p.Lys737ThrfsX6. This variant is predicted to cause loss of normal protein function through protein truncation, as the last 11 amino acids are lost and replaced with 5 incorrect amino acids. This frameshift variant is not observed at a significant frequency in large population cohorts (Lek et al., 2016). We interpret c.2210_2213delAAGA as a likely pathogenic variant.

NM_001077365.2(POMT1):c.2144_2147del (p.Lys715fs)

Gene: POMT1 (protein O-mannosyltransferase 1; plus strand). Cytogenetic location: 9q34.13.
Variant type: Deletion.
Coding change: c.2144_2147del on transcript NM_001077365.2 (MANE Select); coding-DNA positions 2144 to 2147, 4 bases deleted (AAGA; older notation c.2144_2147delAAGA).
Protein change: p.Lys715fs; shifts the reading frame from lysine 715.
Molecular consequence: frameshift variant. On other transcripts: non-coding transcript variant (10).
Genome position (GRCh38, 1-based): chr9:131,523,072-131,523,075, AAGA deleted; deleting any 4 consecutive bases within chr9:131,523,070-131,523,075 gives the same sequence; the c. name uses the placement nearest the transcript's 3' end. VCF-style (leftmost placement, unchanged base first): chr9-131523069-GGAAA-G. GRCh37 (hg19) VCF-style: chr9-134398456-GGAAA-G.
Other names: c.1982_1985del, p.Lys661fs (NM_001077366.2, NM_001353194.2); c.2144_2147del, p.Lys715fs (NM_001136113.2); c.1793_1796del, p.Lys598fs (NM_001136114.2, NM_001353195.2, NM_001374691.1 and 2 more transcripts); c.2210_2213del, p.Lys737fs (NM_001353193.2, NM_007171.4); c.2054_2057del, p.Lys685fs (NM_001353196.2); c.2048_2051del, p.Lys683fs (NM_001353197.2, NM_001353198.2); c.1859_1862del, p.Lys620fs (NM_001353199.2); c.1688_1691del, p.Lys563fs (NM_001353200.2); and 3 more; short protein forms K711fs, K563fs, K598fs, K642fs, K683fs, K685fs, K661fs, K715fs.
Identifiers: ClinVar variation 817664 (VCV000817664.1), dbSNP rs750453909, ClinGen allele CA5293944.